The following is an entry in ClinVar:

NM_014000.3(VCL):c.2480C>T (p.Ala827Val)

Gene: VCL (vinculin; plus strand). Cytogenetic location: 10q22.2.
Variant type: single nucleotide variant.
Coding change: c.2480C>T on transcript NM_014000.3 (MANE Select); coding-DNA position 2480, C replaced by T.
Protein change: p.Ala827Val; replaces alanine 827 with valine.
Molecular consequence: missense variant.
Genome position (GRCh38, 1-based): chr10:74,107,275, C>T. VCF-style: chr10-74107275-C-T. GRCh37 (hg19) VCF-style: chr10-75867033-C-T.
Other names: c.2480C>T, p.Ala827Val (NM_003373.4); short protein forms A827V.
Identifiers: ClinVar variation 1495094 (VCV001495094.6), dbSNP rs2131931375, ClinGen allele CA377263624.
Genomic context (GRCh38, chr10:74,107,275, plus strand): 5'-ATGTCTTGTGTTTAGGACTGCAAAAGAGCTTCCTGGACTCAGGATATCGGATCCTGGGAG[C>T]TGTGGCCAAGGTCAGAGAAGCCTTCCAACCTCAGGAGCCTGACTTCCCGCCGCCTCCACC-3'
Protein context (NP_054706.1, residues 817-837): FLDSGYRILG[Ala827Val]VAKVREAFQP

ClinVar aggregate classification (germline): Uncertain significance (1 of 4 stars; one submission).

Conditions:
Dilated cardiomyopathy 1W (CMD1W). Identifiers: Orphanet 154, MedGen C1969639, MONDO:0012667, OMIM 611407.

Allele frequency attached by ClinVar (database versions not stated): gnomAD exomes below 0.00001.
gnomAD v4.1: 1 of 1,614,194 alleles (0.000062%); highest among the groups gnomAD compares: Non-Finnish European, 0.000085%; no homozygotes.

Submission:

Labcorp Genetics (formerly Invitae), Labcorp
Classification: Uncertain significance for Dilated cardiomyopathy 1W. Last evaluated: 2021-04-06. Review status: criteria provided, single submitter. Criteria: Invitae Variant Classification Sherloc (09022015). Collection method: clinical testing. Allele origin: germline.
Comment: This sequence change replaces alanine with valine at codon 827 of the VCL protein (p.Ala827Val). The alanine residue is highly conserved and there is a small physicochemical difference between alanine and valine. This variant is not present in population databases (ExAC no frequency). In summary, the available evidence is currently insufficient to determine the role of this variant in disease. Therefore, it has been classified as a Variant of Uncertain Significance. Algorithms developed to predict the effect of missense changes on protein structure and function are either unavailable or do not agree on the potential impact of this missense change (SIFT: "Not Available"; PolyPhen-2: "Probably Damaging"; Align-GVGD: "Not Available"). This variant has not been reported in the literature in individuals with VCL-related conditions.